The following is an entry in ClinVar:

ClinVar aggregate classification (germline): Uncertain significance (1 of 4 stars; one submission).

Conditions:
Parkinsonism-dystonia, infantile. Identifiers: Orphanet 238455, MedGen C2751067, MONDO:0013150.

gnomAD v4.1: 3 of 1,614,206 alleles (0.00019%); highest among the groups gnomAD compares: African/African-American, 0.004%; no homozygotes.

Submission:

Labcorp Genetics (formerly Invitae), Labcorp
Classification: Uncertain significance for Parkinsonism-dystonia, infantile. Last evaluated: 2024-11-04. Review status: criteria provided, single submitter. Criteria: Invitae Variant Classification Sherloc (09022015). Collection method: clinical testing. Allele origin: germline.
Comment: This sequence change replaces aspartic acid, which is acidic and polar, with histidine, which is basic and polar, at codon 206 of the SLC6A3 protein (p.Asp206His). This variant is present in population databases (no rsID available, gnomAD no frequency). This variant has not been reported in the literature in individuals affected with SLC6A3-related conditions. This variant is also known as DAT-D206H. ClinVar contains an entry for this variant (Variation ID: 2058641). An algorithm developed to predict the effect of missense changes on protein structure and function outputs the following: PolyPhen-2: "Benign". The histidine amino acid residue is found in multiple mammalian species, which suggests that this missense change does not adversely affect protein function. Experimental studies have shown that this missense change affects SLC6A3 function (PMID: 23436987). In summary, the available evidence is currently insufficient to determine the role of this variant in disease. Therefore, it has been classified as a Variant of Uncertain Significance.

Literature cited by the submitters: PubMed 23436987.

NM_001044.5(SLC6A3):c.616G>C (p.Asp206His)

Gene: SLC6A3 (solute carrier family 6 member 3). Cytogenetic location: 5p15.33.
Variant type: single nucleotide variant.
Coding change: c.616G>C on transcript NM_001044.5 (MANE Select); coding-DNA position 616, G replaced by C.
Protein change: p.Asp206His; replaces aspartic acid 206 with histidine.
Molecular consequence: missense variant.
Genome position (GRCh38, 1-based): chr5:1,432,501, C>G on the plus strand (G>C on the coding strand, the complement: SLC6A3 is on the minus strand). VCF-style: chr5-1432501-C-G. GRCh37 (hg19) VCF-style: chr5-1432616-C-G.
Other names: short protein forms D206H.
Identifiers: ClinVar variation 2058641 (VCV002058641.3), dbSNP rs1472801185, ClinGen allele CA359060205.
Genomic context (GRCh38, chr5:1,432,501, plus strand): 5'-CCGAGGACCCGACTCCCACTTACTCAAAGTACTCGGCAGCAGGTGTGGTCCCAAAAGTGT[C>G]GTTGAGGCCCGAGCTGTCTCCACTGGAGTCACCAGGATGGGCATCCGAGCAGTTGGGGCT-3'
Protein context (NP_001035.1, residues 196-216): DSSGDSSGLN[Asp206His]TFGTTPAAEY